The following is an entry in ClinVar:

ClinVar aggregate classification (germline): Uncertain significance (1 of 4 stars; one submission).

Conditions:
Bardet-Biedl syndrome (BBS). Identifiers: Orphanet 110, MedGen C0752166, MONDO:0015229.

Allele frequency attached by ClinVar (database versions not stated): TOPMed below 0.00001; gnomAD 0.00001; gnomAD exomes 0.00001 and 0.00003; ExAC 0.00002.

Submission:

Labcorp Genetics (formerly Invitae), Labcorp
Classification: Uncertain significance for Bardet-Biedl syndrome. Last evaluated: 2025-01-15. Review status: criteria provided, single submitter. Criteria: Invitae Variant Classification Sherloc (09022015). Collection method: clinical testing. Allele origin: germline.
Comment: This sequence change replaces threonine, which is neutral and polar, with alanine, which is neutral and non-polar, at codon 488 of the BBS4 protein (p.Thr488Ala). This variant is present in population databases (rs746070171, gnomAD 0.02%). This variant has not been reported in the literature in individuals affected with BBS4-related conditions. ClinVar contains an entry for this variant (Variation ID: 1051338). An algorithm developed to predict the effect of missense changes on protein structure and function (PolyPhen-2) suggests that this variant¬†is likely to be tolerated. In summary, the available evidence is currently insufficient to determine the role of this variant in disease. Therefore, it has been classified as a Variant of Uncertain Significance.

NM_033028.5(BBS4):c.1462A>G (p.Thr488Ala)

Gene: BBS4 (Bardet-Biedl syndrome 4; plus strand). Cytogenetic location: 15q24.1.
Variant type: single nucleotide variant.
Coding change: c.1462A>G on transcript NM_033028.5 (MANE Select); coding-DNA position 1462, A replaced by G.
Protein change: p.Thr488Ala; replaces threonine 488 with alanine.
Molecular consequence: missense variant. On other transcripts: non-coding transcript variant (2).
Genome position (GRCh38, 1-based): chr15:72,737,489, A>G. VCF-style: chr15-72737489-A-G. GRCh37 (hg19) VCF-style: chr15-73029830-A-G.
Other names: c.946A>G, p.Thr316Ala (NM_001252678.2); c.1393A>G, p.Thr465Ala (NM_001320665.2); short protein forms T316A, T465A, T488A.
Identifiers: ClinVar variation 1051338 (VCV001051338.7), dbSNP rs746070171, ClinGen allele CA7647053.